The following is an entry in ClinVar:

ClinVar aggregate classification (germline): Likely pathogenic (1 of 4 stars; one submission).

Submission:

GeneDx
Classification: Likely pathogenic. Last evaluated: 2025-04-29. Review status: criteria provided, single submitter. Criteria: GeneDx Variant Classification Process June 2021. Collection method: clinical testing. Allele origin: germline. Affected: yes.
Comment: Not observed at significant frequency in large population cohorts (gnomAD); Alters the last nucleotide of the exon and is predicted to damage the splice donor site but the effect on protein function is unclear; In silico analysis indicates that this missense variant does not alter protein structure/function; This variant is associated with the following publications: (PMID: 38245683)

NM_004991.4(MECOM):c.2849G>A (p.Arg950Lys)

Gene: MECOM (MDS1 and EVI1 complex locus; minus strand). Cytogenetic location: 3q26.2.
Variant type: single nucleotide variant.
Coding change: c.2849G>A on transcript NM_004991.4 (MANE Select); coding-DNA position 2849, G replaced by A.
Protein change: p.Arg950Lys; replaces arginine 950 with lysine.
Molecular consequence: missense variant.
Genome position (GRCh38, 1-based): chr3:169,100,885, C>T on the plus strand (G>A on the coding strand, the complement: MECOM is on the minus strand). VCF-style: chr3-169100885-C-T. GRCh37 (hg19) VCF-style: chr3-168818673-C-T.
Other names: c.2480G>A, p.Arg827Lys (NM_001105077.4); c.2285G>A, p.Arg762Lys (NM_001105078.4, NM_001205194.2, NM_001366469.2 and 1 more transcripts); c.2261G>A, p.Arg754Lys (NM_001163999.2, NM_001366470.2); c.2258G>A, p.Arg753Lys (NM_001164000.2, NM_001366471.2, NM_001366472.2); c.2822G>A, p.Arg941Lys (NM_001366466.2); c.2288G>A, p.Arg763Lys (NM_001366467.2, NM_001366468.2); c.1850G>A, p.Arg617Lys (NM_001366473.2); c.1286G>A, p.Arg429Lys (NM_001366474.2); short protein forms R429K, R617K, R753K, R754K, R762K, R763K, R827K, R941K.
Identifiers: ClinVar variation 4527040 (VCV004527040.1).